The following is an entry in ClinVar:

ClinVar aggregate classification (germline): Likely benign. Review status: criteria provided, multiple submitters, no conflicts (2 of 4 stars). 3 submissions from 3 submitters: Likely benign (3). Last evaluated 2025-10-28.

Conditions:
Hereditary spastic paraplegia 7 (SPG7). Also called: SPASTIC PARAPLEGIA 7, AUTOSOMAL RECESSIVE, WITH OR WITHOUT CEREBELLAR ATAXIA; SPG7-related neurologic disorder; Spastic paraplegia 7; Hereditary spastic paraplegia Paraplegin type; Autosomal recessive spastic paraplegia type 7. Identifiers: Orphanet 99013, MedGen C1846564, MONDO:0011803, OMIM 607259.

Allele frequency attached by ClinVar (database versions not stated): gnomAD exomes 0.00003 and 0.00006; TOPMed 0.00003; gnomAD 0.00004 and 0.00005; ExAC 0.00005.
gnomAD v4.1: 49 of 1,613,892 alleles (0.003%); highest among the groups gnomAD compares: Middle Eastern, 0.066%; 1 homozygote.

Submissions (3):

Labcorp Genetics (formerly Invitae), Labcorp
Classification: Likely benign for Hereditary spastic paraplegia 7. Last evaluated: 2025-10-28. Review status: criteria provided, single submitter. Criteria: Invitae Variant Classification Sherloc (09022015). Collection method: clinical testing. Allele origin: germline.

CeGaT Center for Human Genetics Tuebingen
Classification: Likely benign. Last evaluated: 2022-03-01. Review status: criteria provided, single submitter. Criteria: CeGaT Center For Human Genetics Tuebingen Variant Classification Criteria Version 2. Collection method: clinical testing. Allele origin: germline. Affected: yes. Observed: 3 variant alleles.
Comment: SPG7: BP4, BP7

GeneDx
Classification: Likely benign. Last evaluated: 2021-04-22. Review status: criteria provided, single submitter. Criteria: GeneDx Variant Classification Process June 2021. Collection method: clinical testing. Allele origin: germline. Affected: yes.

NM_003119.4(SPG7):c.1830C>T (p.Leu610=)

Gene: SPG7 (SPG7 matrix AAA peptidase subunit, paraplegin; plus strand). Cytogenetic location: 16q24.3.
Variant type: single nucleotide variant.
Coding change: c.1830C>T on transcript NM_003119.4 (MANE Select); coding-DNA position 1830, C replaced by T.
Protein change: p.Leu610=; no amino-acid change (leucine 610 retained).
Molecular consequence: synonymous variant.
Genome position (GRCh38, 1-based): chr16:89,553,029, C>T. VCF-style: chr16-89553029-C-T. GRCh37 (hg19) VCF-style: chr16-89619437-C-T.
Other names: c.1830C>T, p.Leu610= (NM_001363850.1).
Identifiers: ClinVar variation 390416 (VCV000390416.54), dbSNP rs746099594, ClinGen allele CA8244432.